The following is an entry in ClinVar:

NM_007294.4(BRCA1):c.989A>G (p.Asp330Gly)

Gene: BRCA1 (BRCA1 DNA repair associated; minus strand). Cytogenetic location: 17q21.31.
Variant type: single nucleotide variant.
Coding change: c.989A>G on transcript NM_007294.4 (MANE Select); coding-DNA position 989, A replaced by G.
Protein change: p.Asp330Gly; replaces aspartic acid 330 with glycine.
Molecular consequence: missense variant. On other transcripts: intron variant (137).
Genome position (GRCh38, 1-based): chr17:43,094,542, T>C on the plus strand (A>G on the coding strand, the complement: BRCA1 is on the minus strand). VCF-style: chr17-43094542-T-C. GRCh37 (hg19) VCF-style: chr17-41246559-T-C.
Other names: c.520+202A>G (NM_001408503.1, NM_001408505.1, NM_001408504.1); c.523+202A>G (NM_001408500.1, NM_001408497.1, NM_001408496.1 and 3 more transcripts); c.646+202A>G (NM_001408466.1, NM_001408452.1, NM_001408457.1 and 11 more transcripts); c.787+202A>G (NM_001407973.1, NM_001408403.1, NM_001407979.1 and 19 more transcripts); c.404-3510A>G (NM_001408511.1); c.460+1304A>G (NM_001408507.1, NM_001408506.1); c.545-3510A>G (NM_001408495.1); c.661+202A>G (NM_001408448.1, NM_001408445.1, NM_001408432.1 and 6 more transcripts); and 40 more; short protein forms D162G, D202G, D203G, D218G, D219G, D241G, D242G, D259G.
Identifiers: ClinVar variation 4856563 (VCV004856563.1).

ClinVar aggregate classification (germline): Likely benign (1 of 4 stars; one submission).

Conditions:
Breast-ovarian cancer, familial, susceptibility to, 1 (BROVCA1). Also called: OVARIAN CANCER, SUSCEPTIBILITY TO; BRCA1 Hereditary Breast and Ovarian Cancer. Identifiers: Orphanet 145, MedGen C2676676, MONDO:0011450, OMIM 604370. Disease mechanism: loss of function.

gnomAD v4.1: 1 of 1,614,084 alleles (0.000062%); highest among the groups gnomAD compares: Non-Finnish European, 0.000085%; no homozygotes.

Submission:

Cancer Bioinformatics and Tumour Evolution Laboratory, Monash University
Classification: Likely benign for Breast-ovarian cancer, familial, susceptibility to, 1. Last evaluated: 2026-05-01. Review status: criteria provided, single submitter. Criteria: ClinGen BRCA1 and BRCA2 Guidelines, 2024. Collection method: curation. Allele origin: germline. Inheritance: Autosomal dominant inheritance.
Comment: Missense variant outside of a functional domain with no splice impact. BRCA1 and BRCA2 VCEP guidelines recommend application of BP1_Strong (PMID: 39142283) PMID: 39281752 - A large scale study to determine the case-control LR of BRCA1 and BRCA2 variants. The data was consolidated in the ccLR browser. This variant was found in the browser with a LR of 1.027994795 which is in the intermediate range according to the BRCA1 and BRCA2 VCEP. Hence, no evidence code applied.

Literature cited by the submitters: PubMed 39281752.